The following is an entry in ClinVar:

ClinVar aggregate classification (germline): Conflicting classifications of pathogenicity. Review status: criteria provided, conflicting classifications (1 of 4 stars). 2 submissions from 2 submitters: Uncertain significance (1); Likely benign (1). Last evaluated 2025-01-20.

Conditions:
Kabuki syndrome. Also called: Kabuki make-up syndrome; NIIKAWA-KUROKI SYNDROME. Identifiers: Orphanet 2322, MedGen C0796004, MONDO:0016512.

Allele frequency attached by ClinVar (database versions not stated): gnomAD exomes below 0.00001 and 0.00001.
gnomAD v4.1: 11 of 1,589,580 alleles (0.00069%); highest among the groups gnomAD compares: Middle Eastern, 0.017%; no homozygotes.

Submissions (2):

Labcorp Genetics (formerly Invitae), Labcorp
Classification: Likely benign for Kabuki syndrome. Last evaluated: 2025-01-20. Review status: criteria provided, single submitter. Criteria: Invitae Variant Classification Sherloc (09022015). Collection method: clinical testing. Allele origin: germline.

GeneDx
Classification: Uncertain significance. Last evaluated: 2022-01-27. Review status: criteria provided, single submitter. Criteria: GeneDx Variant Classification Process June 2021. Collection method: clinical testing. Allele origin: germline. Affected: yes.
Comment: In silico analysis supports that this missense variant has a deleterious effect on protein structure/function; Has not been previously published as pathogenic or benign to our knowledge; This variant is associated with the following publications: (PMID: 29627316)

NM_003482.4(KMT2D):c.9611C>T (p.Pro3204Leu)

Gene: KMT2D (lysine methyltransferase 2D; minus strand). Cytogenetic location: 12q13.12.
Variant type: single nucleotide variant.
Coding change: c.9611C>T on transcript NM_003482.4 (MANE Select); coding-DNA position 9611, C replaced by T.
Protein change: p.Pro3204Leu; replaces proline 3204 with leucine.
Molecular consequence: missense variant.
Genome position (GRCh38, 1-based): chr12:49,037,745, G>A on the plus strand (C>T on the coding strand, the complement: KMT2D is on the minus strand). VCF-style: chr12-49037745-G-A. GRCh37 (hg19) VCF-style: chr12-49431528-G-A.
Other names: short protein forms P3204L.
Identifiers: ClinVar variation 1473303 (VCV001473303.8), dbSNP rs1298038896, ClinGen allele CA384737071.
Genomic context (GRCh38, chr12:49,037,745, plus strand): 5'-CCAGGCAAGGTCAAAGCCCCACTCTCGAGCTCAAACTTTTCCAGCAGGGAGGATCCTCCT[G>A]GGCCACTCAGTGGGCTGGGGGTCAGCAGGTGAGCTGGTGGTCCTCCCGTGGCCCCAAAGG-3'
Protein context (NP_003473.3, residues 3194-3214): HLLTPSPLSG[Pro3204Leu]GGSSLLEKFE